The following is an entry in ClinVar:

NM_004655.4(AXIN2):c.1645T>G (p.Tyr549Asp)

Gene: AXIN2 (axin 2; minus strand). Cytogenetic location: 17q24.1.
Variant type: single nucleotide variant.
Coding change: c.1645T>G on transcript NM_004655.4 (MANE Select); coding-DNA position 1645, T replaced by G.
Protein change: p.Tyr549Asp; replaces tyrosine 549 with aspartic acid.
Molecular consequence: missense variant.
Genome position (GRCh38, 1-based): chr17:65,537,391, A>C on the plus strand (T>G on the coding strand, the complement: AXIN2 is on the minus strand). VCF-style: chr17-65537391-A-C. GRCh37 (hg19) VCF-style: chr17-63533509-A-C.
Other names: c.1645T>G, p.Tyr549Asp (NM_001363813.1); short protein forms Y549D.
Identifiers: ClinVar variation 5032675 (VCV005032675.1).
Genomic context (GRCh38, chr17:65,537,391, plus strand): 5'-GCTCGCTGGGCATGGTTTCCGGAGCCTTGGAGTGGCTTTTGCATTTCGAGTAGCAGTAAT[A>C]CTCGCTGCCCCCAGGGCAGAAGCAGTGCACCCGCTGCGTGGCCTCCGCCTCGATCTCCTC-3'
Protein context (NP_004646.3, residues 539-559): VHCFCPGGSE[Tyr549Asp]YCYSKCKSHS

ClinVar aggregate classification (germline): Uncertain significance (1 of 4 stars; one submission).

Conditions:
Hereditary cancer-predisposing syndrome. Also called: Neoplastic Syndromes, Hereditary; Tumor predisposition; Hereditary neoplastic syndrome; Hereditary Cancer Syndrome. Identifiers: Orphanet 140162, MedGen C0027672, MeSH D009386, MONDO:0015356.

Submission:

Ambry Genetics
Classification: Uncertain significance for Hereditary cancer-predisposing syndrome. Last evaluated: 2026-08-22. Review status: criteria provided, single submitter. Criteria: Ambry Variant Classification Scheme 2023. Collection method: clinical testing. Allele origin: germline.
Comment: The p.Y549D variant (also known as c.1645T>G), located in coding exon 5 of the AXIN2 gene, results from a T to G substitution at nucleotide position 1645. The tyrosine at codon 549 is replaced by aspartic acid, an amino acid with highly dissimilar properties. This amino acid position is conserved. In addition, this alteration is predicted to be deleterious by in silico analysis. Based on the available evidence, the clinical significance of this variant remains unclear.